The following is an entry in ClinVar:

ClinVar aggregate classification (germline): Uncertain significance (1 of 4 stars; one submission).

Conditions:
Werner syndrome (WRN). Identifiers: Orphanet 902, MedGen C0043119, MONDO:0010196, OMIM 277700.

Allele frequency attached by ClinVar (database versions not stated): gnomAD exomes below 0.00001 and 0.00001; gnomAD 0.00001; TOPMed 0.00001; ExAC 0.00002; ESP Exome Variant Server 0.00008.
gnomAD v4.1: 10 of 1,613,980 alleles (0.00062%); highest among the groups gnomAD compares: Non-Finnish European, 0.00085%; no homozygotes.

Submission:

Labcorp Genetics (formerly Invitae), Labcorp
Classification: Uncertain significance for Werner syndrome. Last evaluated: 2022-09-17. Review status: criteria provided, single submitter. Criteria: Invitae Variant Classification Sherloc (09022015). Collection method: clinical testing. Allele origin: germline.
Comment: This sequence change replaces proline, which is neutral and non-polar, with leucine, which is neutral and non-polar, at codon 1310 of the WRN protein (p.Pro1310Leu). This variant is present in population databases (rs375176583, gnomAD 0.002%). This variant has not been reported in the literature in individuals affected with WRN-related conditions. ClinVar contains an entry for this variant (Variation ID: 1022950). Algorithms developed to predict the effect of missense changes on protein structure and function output the following: SIFT: "Not Available"; PolyPhen-2: "Benign"; Align-GVGD: "Not Available". The leucine amino acid residue is found in multiple mammalian species, which suggests that this missense change does not adversely affect protein function. In summary, the available evidence is currently insufficient to determine the role of this variant in disease. Therefore, it has been classified as a Variant of Uncertain Significance.

NM_000553.6(WRN):c.3929C>T (p.Pro1310Leu)

Gene: WRN (WRN RecQ like helicase; plus strand). Cytogenetic location: 8p12.
Variant type: single nucleotide variant.
Coding change: c.3929C>T on transcript NM_000553.6 (MANE Select); coding-DNA position 3929, C replaced by T.
Protein change: p.Pro1310Leu; replaces proline 1310 with leucine.
Molecular consequence: missense variant.
Genome position (GRCh38, 1-based): chr8:31,157,477, C>T. VCF-style: chr8-31157477-C-T. GRCh37 (hg19) VCF-style: chr8-31014993-C-T.
Other names: short protein forms P1310L.
Identifiers: ClinVar variation 1022950 (VCV001022950.2), dbSNP rs375176583, ClinGen allele CA4705209.